The following is an entry in ClinVar:

NM_000170.3(GLDC):c.1388T>C (p.Phe463Ser)

Gene: GLDC (glycine decarboxylase; minus strand). Cytogenetic location: 9p24.1.
Variant type: single nucleotide variant.
Coding change: c.1388T>C on transcript NM_000170.3 (MANE Select); coding-DNA position 1388, T replaced by C.
Protein change: p.Phe463Ser; replaces phenylalanine 463 with serine.
Molecular consequence: missense variant.
Genome position (GRCh38, 1-based): chr9:6,592,864, A>G on the plus strand (T>C on the coding strand, the complement: GLDC is on the minus strand). VCF-style: chr9-6592864-A-G. GRCh37 (hg19) VCF-style: chr9-6592864-A-G.
Other names: short protein forms F463S.
Identifiers: ClinVar variation 952668 (VCV000952668.7), dbSNP rs1818403390, ClinGen allele CA372893922.

ClinVar aggregate classification (germline): Uncertain significance (1 of 4 stars; one submission).

Conditions:
Glycine encephalopathy. Also called: Nonketotic hyperglycinemia; Non-ketotic hyperglycinemia. Identifiers: Orphanet 407, MedGen C0751748, MONDO:0011612, HP:0008288.

Allele frequency attached by ClinVar (database versions not stated): gnomAD below 0.00001 and 0.00001.
gnomAD v4.1: 1 of 1,613,482 alleles (0.000062%); highest among the groups gnomAD compares: South Asian, 0.0011%; no homozygotes.

Submission:

Labcorp Genetics (formerly Invitae), Labcorp
Classification: Uncertain significance for Glycine encephalopathy. Last evaluated: 2022-08-23. Review status: criteria provided, single submitter. Criteria: Invitae Variant Classification Sherloc (09022015). Collection method: clinical testing. Allele origin: germline.
Comment: This sequence change replaces phenylalanine, which is neutral and non-polar, with serine, which is neutral and polar, at codon 463 of the GLDC protein (p.Phe463Ser). This variant is not present in population databases (gnomAD no frequency). This variant has not been reported in the literature in individuals affected with GLDC-related conditions. ClinVar contains an entry for this variant (Variation ID: 952668). Advanced modeling of protein sequence and biophysical properties (such as structural, functional, and spatial information, amino acid conservation, physicochemical variation, residue mobility, and thermodynamic stability) performed at Invitae indicates that this missense variant is not expected to disrupt GLDC protein function. In summary, the available evidence is currently insufficient to determine the role of this variant in disease. Therefore, it has been classified as a Variant of Uncertain Significance.